The following is an entry in ClinVar:

NM_015057.5(MYCBP2):c.2018-4A>C

Gene: MYCBP2 (MYC binding protein 2; minus strand). Cytogenetic location: 13q22.3.
Variant type: single nucleotide variant.
Coding change: c.2018-4A>C on transcript NM_015057.5 (MANE Select); 4 bases into the intron before coding-DNA position 2018, A replaced by C.
Molecular consequence: intron variant.
Genome position (GRCh38, 1-based): chr13:77,257,833, T>G on the plus strand (A>C on the coding strand, the complement: MYCBP2 is on the minus strand). VCF-style: chr13-77257833-T-G. GRCh37 (hg19) VCF-style: chr13-77831968-T-G.
Identifiers: ClinVar variation 4981101 (VCV004981101.1).

ClinVar aggregate classification (germline): Likely benign (1 of 4 stars; one submission).

Conditions:
MYCBP2-related disorder. Also called: MYCBP2-related condition.

gnomAD v4.1: 1,452 of 1,595,936 alleles (0.091%); highest among the groups gnomAD compares: Non-Finnish European, 0.11%; no homozygotes.

Submission:

PreventionGenetics, part of Exact Sciences
Classification: Likely benign for MYCBP2-related condition. Last evaluated: 2025-08-22. Review status: criteria provided, single submitter. Criteria: ACMG Guidelines, 2015. Collection method: clinical testing. Allele origin: germline.
Comment: This variant is classified as likely benign based on ACMG/AMP sequence variant interpretation guidelines (Richards et al. 2015 PMID: 25741868, with internal and published modifications).